The following is an entry in ClinVar:

NM_001100.4(ACTA1):c.282C>G (p.Asn94Lys)

Gene: ACTA1 (actin alpha 1, skeletal muscle; minus strand). Cytogenetic location: 1q42.13.
Variant type: single nucleotide variant.
Coding change: c.282C>G on transcript NM_001100.4 (MANE Select); coding-DNA position 282, C replaced by G.
Protein change: p.Asn94Lys; replaces asparagine 94 with lysine.
Molecular consequence: missense variant.
Genome position (GRCh38, 1-based): chr1:229,432,728, G>C on the plus strand (C>G on the coding strand, the complement: ACTA1 is on the minus strand). VCF-style: chr1-229432728-G-C. GRCh37 (hg19) VCF-style: chr1-229568475-G-C.
Other names: short protein forms N94K.
Identifiers: ClinVar variation 4083365 (VCV004083365.1).

ClinVar aggregate classification (germline): Pathogenic (1 of 4 stars; one submission).

Submission:

GeneDx
Classification: Pathogenic. Last evaluated: 2025-03-14. Review status: criteria provided, single submitter. Criteria: GeneDx Variant Classification Process June 2021. Collection method: clinical testing. Allele origin: germline. Affected: yes.
Comment: Not observed at significant frequency in large population cohorts (gnomAD); Missense variants in this gene are a common cause of disease and they are underrepresented in the general population; In silico analysis supports that this missense variant has a deleterious effect on protein structure/function; This variant is associated with the following publications: (PMID: 19562689, 31127727)